The following is an entry in ClinVar:

ClinVar aggregate classification (germline): Uncertain significance. Review status: criteria provided, multiple submitters, no conflicts (2 of 4 stars). 2 submissions from 2 submitters: Uncertain significance (2). Last evaluated 2025-09-10.

Conditions:
Aspartylglucosaminuria (AGU). Also called: Aspartylglucos-aminuria; Aspartylglucos-amidase (AGA) deficiency; AGA DEFICIENCY; GLYCOASPARAGINASE; GLYCOSYLASPARAGINASE DEFICIENCY. Identifiers: Orphanet 93, MedGen C0268225, MONDO:0008830, OMIM 208400, HP:0012068.

Allele frequency attached by ClinVar (database versions not stated): gnomAD exomes 0.00002 and 0.00004; gnomAD 0.00001; ExAC 0.00002; ESP Exome Variant Server 0.00008; TOPMed 0.00002.
gnomAD v4.1: 66 of 1,613,850 alleles (0.0041%); highest among the groups gnomAD compares: Non-Finnish European, 0.0048%; no homozygotes.

Submissions (2):

Genomic Medicine Center of Excellence, King Faisal Specialist Hospital and Research Centre
Classification: Uncertain significance for Aspartylglucosaminuria. Last evaluated: 2025-09-10. Review status: criteria provided, single submitter. Criteria: ACMG Guidelines, 2015. Collection method: clinical testing. Allele origin: germline.

Labcorp Genetics (formerly Invitae), Labcorp
Classification: Uncertain significance for Aspartylglucosaminuria. Last evaluated: 2022-08-30. Review status: criteria provided, single submitter. Criteria: Invitae Variant Classification Sherloc (09022015). Collection method: clinical testing. Allele origin: germline.
Comment: This sequence change affects codon 314 of the AGA mRNA. It is a 'silent' change, meaning that it does not change the encoded amino acid sequence of the AGA protein. This variant also falls at the last nucleotide of exon 8, which is part of the consensus splice site for this exon. This variant is present in population databases (rs149870867, gnomAD 0.006%). This variant has not been reported in the literature in individuals affected with AGA-related conditions. ClinVar contains an entry for this variant (Variation ID: 1506210). Algorithms developed to predict the effect of missense changes on protein structure and function are either unavailable or do not agree on the potential impact of this missense change (SIFT: "Deleterious"; PolyPhen-2: "Probably Damaging"; Align-GVGD: "Class C0"). Variants that disrupt the consensus splice site are a relatively common cause of aberrant splicing (PMID: 17576681, 9536098). Algorithms developed to predict the effect of sequence changes on RNA splicing suggest that this variant may disrupt the consensus splice site. In summary, the available evidence is currently insufficient to determine the role of this variant in disease. Therefore, it has been classified as a Variant of Uncertain Significance.

Literature cited by the submitters: PubMed 17576681 (cited by Labcorp Genetics (formerly Invitae), Labcorp); PubMed 9536098 (cited by Labcorp Genetics (formerly Invitae), Labcorp).

NM_000027.4(AGA):c.940G>A (p.Gly314Ser)

Gene: AGA (aspartylglucosaminidase; minus strand). Cytogenetic location: 4q34.3.
Variant type: single nucleotide variant.
Coding change: c.940G>A on transcript NM_000027.4 (MANE Select); coding-DNA position 940, G replaced by A.
Protein change: p.Gly314Ser; replaces glycine 314 with serine.
Molecular consequence: missense variant. On other transcripts: non-coding transcript variant (1).
Genome position (GRCh38, 1-based): chr4:177,433,214, C>T on the plus strand (G>A on the coding strand, the complement: AGA is on the minus strand). VCF-style: chr4-177433214-C-T. GRCh37 (hg19) VCF-style: chr4-178354368-C-T.
Other names: c.910G>A, p.Gly304Ser (NM_001171988.2); short protein forms G314S, G304S.
Identifiers: ClinVar variation 1506210 (VCV001506210.5), dbSNP rs149870867, ClinGen allele CA3146753.